The following is an entry in ClinVar:

NM_006421.5(ARFGEF1):c.3993G>A (p.Ala1331=)

Gene: ARFGEF1 (ARF guanine nucleotide exchange factor 1; minus strand). Cytogenetic location: 8q13.2.
Variant type: single nucleotide variant.
Coding change: c.3993G>A on transcript NM_006421.5 (MANE Select); coding-DNA position 3993, G replaced by A.
Protein change: p.Ala1331=; no amino-acid change (alanine 1331 retained).
Molecular consequence: synonymous variant. On other transcripts: non-coding transcript variant (1).
Genome position (GRCh38, 1-based): chr8:67,226,107, C>T on the plus strand (G>A on the coding strand, the complement: ARFGEF1 is on the minus strand). VCF-style: chr8-67226107-C-T. GRCh37 (hg19) VCF-style: chr8-68138342-C-T.
Other names: c.3993G>A, p.Ala1331= (NM_001413184.1, NM_001413185.1, NM_001413186.1 and 6 more transcripts); c.3393G>A, p.Ala1131= (NM_001413188.1, NM_001413193.1, NM_001413197.1); c.3987G>A, p.Ala1329= (NM_001413190.1); c.2568G>A, p.Ala856= (NM_001413196.1).
Identifiers: ClinVar variation 4821503 (VCV004821503.4).
Genomic context (GRCh38, chr8:67,226,107, plus strand): 5'-TGCACAATGGCGAATAAGTCGAATTGCTTCCATACTTGTGTCTGGGAAAGCTGCATTGCA[C>T]GCAAATTCAGACAAACACTTCACTGCATCCTGGAAAGAATCAATGGTCGCTGGAAAGTGT-3'
Protein context (NP_006412.2, residues 1321-1341): QDAVKCLSEF[Ala1331=]CNAAFPDTSM

ClinVar aggregate classification (germline): Likely benign (1 of 4 stars; one submission).

gnomAD v4.1: 241 of 1,612,980 alleles (0.015%); highest among the groups gnomAD compares: Admixed American, 0.02%; no homozygotes.

Submission:

CeGaT Center for Human Genetics Tuebingen
Classification: Likely benign. Last evaluated: 2026-03-01. Review status: criteria provided, single submitter. Criteria: CeGaT Center For Human Genetics Tuebingen Variant Classification Criteria Version 2. Collection method: clinical testing. Allele origin: germline. Affected: yes. Observed: 1 variant allele.
Comment: ARFGEF1: BP4, BP7